The following is an entry in ClinVar:

NM_015272.5(RPGRIP1L):c.2582dup (p.Ser862fs)

Gene: RPGRIP1L (RPGRIP1 like; minus strand). Cytogenetic location: 16q12.2.
Variant type: Duplication.
Coding change: c.2582dup on transcript NM_015272.5 (MANE Select); coding-DNA position 2582, one base duplicated (T; older notation c.2582dupT).
Protein change: p.Ser862fs; shifts the reading frame from serine 862.
Molecular consequence: frameshift variant.
Genome position (GRCh38, 1-based): chr16:53,645,726, A duplicated on the plus strand (T on the coding strand, the reverse complement: RPGRIP1L is on the minus strand). VCF-style (leftmost placement, unchanged base first): chr16-53645725-C-CA. GRCh37 (hg19) VCF-style: chr16-53679637-C-CA.
Other names: c.2582dupT (NM_015272.4); c.2582dup, p.Ser862fs (NM_001127897.4, NM_001308334.3, NM_001330538.2); short protein forms S862fs.
Identifiers: ClinVar variation 1068738 (VCV001068738.8), dbSNP rs779776673, ClinGen allele CA8057522.
Genomic context (GRCh38, chr16:53,645,725, plus strand): 5'-ATTGACTTTTCCTATGTAAATATTCTCCTGGGTATCACTATCATCAAAAACATAAAAACT[C>CA]AGAGACTCTGACTTAAGGTATCGATCCAAGTCCATATTCATTGGCACTGGGAAATACATA-3'

ClinVar aggregate classification (germline): Pathogenic. Review status: criteria provided, multiple submitters, no conflicts (2 of 4 stars). 2 submissions from 2 submitters: Pathogenic (2). Last evaluated 2025-11-17.

Conditions:
Joubert syndrome. Also called: Familial aplasia of the vermis; CEREBELLOPARENCHYMAL DISORDER IV; JOUBERT-BOLTSHAUSER SYNDROME. Identifiers: Orphanet 475, MedGen C5979921, MONDO:0018772.
Meckel-Gruber syndrome. Also called: Dysencephalia splachnocystica; DYSENCEPHALIA SPLANCHNOCYSTICA; GRUBER SYNDROME. Identifiers: Orphanet 564, MedGen C0265215, MONDO:0018921.

Allele frequency attached by ClinVar (database versions not stated): TOPMed below 0.00001; gnomAD exomes 0.00001; ExAC 0.00002.

Submissions (2):

Natera, Inc.
Classification: Pathogenic for Joubert syndrome. Last evaluated: 2025-11-17. Review status: criteria provided, single submitter. Criteria: Natera Variant Classification Schema (03/2026). Collection method: clinical testing. Allele origin: germline.
Comment: The c.2582dupT variant in RPGRIP1L is a frameshift variant predicted to shift the reading frame beginning at codon 862 and leads to a stop codon 6 codons downstream. This variant is expected to result in nonsense mediated decay, truncation, or a dysfunctional protein product. This variant is rare in the general population with a frequency below the threshold expected for the associated phenotype(s). This variant has been observed in one or more individuals affected with the associated recessive disease, as either homozygous or compound heterozygous with a second variant (PMID: 22331178). Given the available evidence, this variant is classified as Pathogenic.

Labcorp Genetics (formerly Invitae), Labcorp
Classification: Pathogenic for Joubert syndrome; Meckel-Gruber syndrome. Last evaluated: 2024-02-24. Review status: criteria provided, single submitter. Criteria: Invitae Variant Classification Sherloc (09022015). Collection method: clinical testing. Allele origin: germline.
Comment: This sequence change creates a premature translational stop signal (p.Ser862Glufs*6) in the RPGRIP1L gene. It is expected to result in an absent or disrupted protein product. Loss-of-function variants in RPGRIP1L are known to be pathogenic (PMID: 17558409). This variant is present in population databases (rs779776673, gnomAD 0.0009%). This variant has not been reported in the literature in individuals affected with RPGRIP1L-related conditions. ClinVar contains an entry for this variant (Variation ID: 1068738). For these reasons, this variant has been classified as Pathogenic.

Literature cited by the submitters: PubMed 22331178 (cited by Natera, Inc.); PubMed 17558409 (cited by Labcorp Genetics (formerly Invitae), Labcorp).